The following is an entry in ClinVar:

NM_018972.4(GDAP1):c.715C>T (p.Leu239Phe)

Gene: GDAP1 (ganglioside induced differentiation associated protein 1; plus strand). Cytogenetic location: 8q21.11.
Variant type: single nucleotide variant.
Coding change: c.715C>T on transcript NM_018972.4 (MANE Select); coding-DNA position 715, C replaced by T.
Protein change: p.Leu239Phe; replaces leucine 239 with phenylalanine.
Molecular consequence: missense variant. On other transcripts: intron variant (1).
Genome position (GRCh38, 1-based): chr8:74,364,005, C>T. VCF-style: chr8-74364005-C-T. GRCh37 (hg19) VCF-style: chr8-75276240-C-T.
Other names: p.Leu239Phe; c.511C>T, p.Leu171Phe (NM_001040875.4); c.388C>T, p.Leu130Phe (NM_001362929.2, NM_001362932.2); c.541C>T, p.Leu181Phe (NM_001362930.2); c.694+952C>T (NM_001362931.2); short protein forms L239F, L181F, L171F, L130F.
Identifiers: ClinVar variation 4200 (VCV000004200.77), dbSNP rs104894080, ClinGen allele CA116689.

ClinVar aggregate classification (germline): Pathogenic/Likely pathogenic. Review status: criteria provided, multiple submitters, no conflicts (2 of 4 stars). 22 submissions from 20 submitters: Pathogenic (14); Likely pathogenic (1). 7 of the submissions do not count toward it. Last evaluated 2025-11-03.

Conditions:
Inborn genetic diseases. Identifiers: MedGen C0950123, MeSH D030342.
GDAP1-related disorder. Also called: GDAP1-related condition; GDAP1-related disorders.
Charcot-Marie-Tooth disease. Also called: Charcot-Marie-Tooth Hereditary Neuropathy; Charcot-Marie-Tooth Neuropathy. Identifiers: Orphanet 166, MedGen C0007959, MONDO:0015626.
Charcot-Marie-Tooth disease axonal type 2K (CMT2K). Also called: CHARCOT-MARIE-TOOTH DISEASE, AXONAL, AUTOSOMAL RECESSIVE, TYPE 2K; CHARCOT-MARIE-TOOTH NEUROPATHY, AXONAL, TYPE 2K; Charcot-Marie-Tooth disease type 2K. Identifiers: Orphanet 101097, Orphanet 99944, MedGen C1842983, MONDO:0011916, OMIM 607831.
Charcot-Marie-Tooth disease, axonal, with vocal cord paresis, autosomal recessive. Also called: CHARCOT-MARIE-TOOTH DISEASE, TYPE 4A, AXONAL FORM; CHARCOT-MARIE-TOOTH NEUROPATHY, AXONAL, WITH VOCAL CORD PARESIS, AUTOSOMAL RECESSIVE; CMT2 WITH VOCAL CORD PARESIS, AUTOSOMAL RECESSIVE. Identifiers: Orphanet 101097, MedGen C1843183, MONDO:0011898, OMIM 607706.
Charcot-Marie-Tooth disease recessive intermediate A (CMTRIA). Also called: CHARCOT-MARIE-TOOTH NEUROPATHY, RECESSIVE INTERMEDIATE A. Identifiers: Orphanet 217055, MedGen C1842197, MONDO:0012014, OMIM 608340.
Charcot-Marie-Tooth disease type 4A. Also called: Charcot-Marie-Tooth disease, demyelinating, autosomal recessive, type 4a. Identifiers: Orphanet 99948, MedGen C1859198, MONDO:0008961, OMIM 214400.
Polyneuropathy. Identifiers: MedGen C0152025, MONDO:0001824, HP:0001271.
Peripheral axonal neuropathy. Also called: Axonal neuropathy. Identifiers: MedGen C1263857, MONDO:0004183, HP:0003477.
Sensory neuropathy. Identifiers: MedGen C0151313, MONDO:0002321, HP:0000763.
Elevated circulating creatine kinase activity. Also called: Elevated creatine kinase; Elevated circulating creatine kinase concentration; Elevated serum creatine phosphokinase. Identifiers: MedGen C0241005, HP:0003236.
Elevated circulating alkaline phosphatase concentration. Also called: Elevated alkaline phosphatase. Identifiers: MedGen C1314665, HP:0003155.

Allele frequency attached by ClinVar (database versions not stated): ExAC 0.00003; gnomAD exomes 0.00003 and 0.00004; gnomAD 0.00004 and 0.00005; TOPMed 0.00008.
gnomAD v4.1: 69 of 1,613,944 alleles (0.0043%); highest among the groups gnomAD compares: Non-Finnish European, 0.0057%; no homozygotes.

Submissions 1 to 9 of 22:

Labcorp Genetics (formerly Invitae), Labcorp
Classification: Pathogenic for Charcot-Marie-Tooth disease type 4A. Last evaluated: 2025-11-03. Review status: criteria provided, single submitter. Criteria: Invitae Variant Classification Sherloc (09022015). Collection method: clinical testing. Allele origin: germline.
Comment: This sequence change replaces leucine, which is neutral and non-polar, with phenylalanine, which is neutral and non-polar, at codon 239 of the GDAP1 protein (p.Leu239Phe). This variant is present in population databases (rs104894080, gnomAD 0.007%). This missense change has been observed in individual(s) with autosomal recessive Charcot-Marie-Tooth disease (PMID: 14561495, 17433678, 18504680, 18991200, 19500985, 20232219, 25231362). In at least one individual the data is consistent with being in trans (on the opposite chromosome) from a pathogenic variant. It is commonly reported in individuals of European ancestry (PMID: 20232219). ClinVar contains an entry for this variant (Variation ID: 4200). Invitae Evidence Modeling of protein sequence and biophysical properties (such as structural, functional, and spatial information, amino acid conservation, physicochemical variation, residue mobility, and thermodynamic stability) indicates that this missense variant is not expected to disrupt GDAP1 protein function with a negative predictive value of 80%. For these reasons, this variant has been classified as Pathogenic.

PreventionGenetics, part of Exact Sciences
Classification: Pathogenic for GDAP1-related condition. Last evaluated: 2025-09-05. Review status: criteria provided, single submitter. Criteria: ACMG Guidelines, 2015. Collection method: clinical testing. Allele origin: germline.
Comment: The GDAP1 c.715C>T variant is predicted to result in the amino acid substitution p.Leu239Phe. This variant has been reported in the compound heterozygous or homozygous state in multiple individuals with autosomal recessive Charcot-Marie-Tooth disease (Ammar et al. 2003. PubMed ID: 14561495; Kabzinska et al. 2006. PubMed ID: 17039978; Baránková et al. 2007. PubMed ID: 17433678; Auer-Grumbach et al. 2008. PubMed ID: 18504680; Moroni et al. 2009. PubMed ID: 19500985; Kabzińska et al. 2010. PubMed ID: 20232219; Kabzińska et al. 2014. PubMed ID: 25337607). This variant is reported in 0.0077% of alleles in individuals of European (non-Finnish) descent in gnomAD. This variant is interpreted as pathogenic for autosomal recessive GDAP1-related disorders.

Mayo Clinic Laboratories, Mayo Clinic
Classification: Pathogenic. Last evaluated: 2025-05-07. Review status: criteria provided, single submitter. Criteria: ACMG Guidelines, 2015. Collection method: clinical testing. Allele origin: germline. Observed: 1 variant allele.
Comment: PP1, PP3_moderate, PM3_very_strong

Variantyx, Inc.
Classification: Pathogenic for Charcot-Marie-Tooth disease type 4A. Last evaluated: 2025-04-03. Review status: criteria provided, single submitter. Criteria: Variantyx Assertion Criteria 2022. Collection method: clinical testing. Allele origin: germline. Inheritance: Autosomal recessive inheritance. Affected: yes.
Comment: This is a nonsynonymous variant in the GDAP1 gene (OMIM: 606598). Pathogenic variants in this gene have been associated with autosomal recessive Charcot-Marie-Tooth disease. Multiple computational algorithms predict a deleterious effect for this variant (REVEL score: 0.882) (PP3). This variant has a 0.0057% maximum allele frequency in non-founder control populations (PM2). Based on the current evidence, this variant is classified as pathogenic for autosomal recessive Charcot-Marie-Tooth disease.

Women's Health and Genetics/Laboratory Corporation of America, LabCorp
Classification: Pathogenic for Charcot-Marie-Tooth disease type 4A. Last evaluated: 2024-12-24. Review status: criteria provided, single submitter. Criteria: LabCorp Variant Classification Summary - May 2015. Collection method: clinical testing. Allele origin: germline.
Comment: Variant summary: GDAP1 c.715C>T (p.Leu239Phe) results in a non-conservative amino acid change in the encoded protein sequence. Five of five in-silico tools predict a damaging effect of the variant on protein function. The variant allele was found at a frequency of 3.2e-05 in 251444 control chromosomes (gnomAD). c.715C>T has been reported in the literature in multiple individuals affected with Charcot-Marie-Tooth disease type 4A (e.g. Kabzinska_2010). These data indicate that the variant is very likely to be associated with disease. The following publication has been ascertained in the context of this evaluation (PMID: 20232219). ClinVar contains an entry for this variant (Variation ID: 4200). Based on the evidence outlined above, the variant was classified as pathogenic.

Blueprint Genetics
Classification: Pathogenic for GDAP1-related disorders. Last evaluated: 2024-10-28. Review status: criteria provided, single submitter. Criteria: ACMG Guidelines, 2015. Collection method: clinical testing. Allele origin: germline. Affected: yes. Observed: 5 variant alleles.

CeGaT Center for Human Genetics Tuebingen
Classification: Pathogenic. Last evaluated: 2024-03-01. Review status: criteria provided, single submitter. Criteria: CeGaT Center For Human Genetics Tuebingen Variant Classification Criteria Version 2. Collection method: clinical testing. Allele origin: germline. Affected: yes. Observed: 5 variant alleles.
Comment: GDAP1: PM3:Very Strong, PP1:Strong, PM1, PM2

Ambry Genetics
Classification: Pathogenic for Inborn genetic diseases. Last evaluated: 2023-09-14. Review status: criteria provided, single submitter. Criteria: Ambry Variant Classification Scheme 2023. Collection method: clinical testing. Allele origin: germline.
Comment: The c.715C>T (p.L239F) alteration is located in exon 6 (coding exon 6) of the GDAP1 gene. This alteration results from a C to T substitution at nucleotide position 715, causing the leucine (L) at amino acid position 239 to be replaced by a phenylalanine (F). Based on the available evidence, the GDAP1 c.715C>T (p.L239F) alteration is classified as pathogenic for autosomal recessive GDAP1-related Charcot-Marie-Tooth disease; however, it is unlikely to be causative of autosomal dominant GDAP1-related Charcot-Marie-Tooth disease, type 2. Based on data from gnomAD, the T allele has an overall frequency of 0.004% (10/282836) total alleles studied. The highest observed frequency was 0.008% (10/129150) of European (non-Finnish) alleles. This alteration was detected in the homozygous state and in conjunction with another alteration in GDAP1 in multiple individuals with autosomal recessive GDAP1-related Charcot-Marie-Tooth disease (Kabziska, 2010; Barankova, 2007; Moroni, 2009; Rougeot, 2008; Auer-Grumbach, 2008; Kabziska, 2014). This amino acid position is highly conserved in available vertebrate species. Functional studies suggest this variant disrupts mitochondrial and golgi function in yeast and human cells; however, the physiological relevance of these findings is unclear (Rzepnikowska, 2020; Binida, 2021). This alteration is predicted to be deleterious by in silico analysis. Based on the available evidence, this alteration is classified as pathogenic.

Athena Diagnostics
Classification: Pathogenic. Last evaluated: 2023-06-26. Review status: criteria provided, single submitter. Criteria: Athena Diagnostics Criteria. Collection method: clinical testing. Allele origin: unknown.
Comment: The frequency of this variant in the general population is consistent with pathogenicity. This variant segregates with autosomal recessive Charcot-Marie-Tooth disease in multiple families. In multiple individuals, this variant has been seen with a single recessive pathogenic variant in the same gene, suggesting this variant may also be pathogenic. Computational tools predict that this variant is damaging.